The following is an entry in ClinVar:

NM_015166.4(MLC1):c.596C>G (p.Ser199Ter)

Gene: MLC1 (modulator of VRAC current 1; minus strand). Cytogenetic location: 22q13.33.
Variant type: single nucleotide variant.
Coding change: c.596C>G on transcript NM_015166.4 (MANE Select); coding-DNA position 596, C replaced by G.
Protein change: p.Ser199Ter; replaces serine 199 with a stop codon.
Molecular consequence: nonsense. On other transcripts: non-coding transcript variant (3).
Genome position (GRCh38, 1-based): chr22:50,076,842, G>C on the plus strand (C>G on the coding strand, the complement: MLC1 is on the minus strand). VCF-style: chr22-50076842-G-C. GRCh37 (hg19) VCF-style: chr22-50515271-G-C.
Other names: c.596C>G, p.Ser199Ter (NM_001376472.1, NM_001376473.1, NM_001376474.1 and 6 more transcripts); c.506C>G, p.Ser169Ter (NM_001376480.1); c.494C>G, p.Ser165Ter (NM_001376481.1); c.440C>G, p.Ser147Ter (NM_001376482.1, NM_001376483.1); c.359C>G, p.Ser120Ter (NM_001376484.1); short protein forms S120*, S147*, S165*, S169*, S199*.
Identifiers: ClinVar variation 1726207 (VCV001726207.2), dbSNP rs774184754, ClinGen allele CA412109429.

ClinVar aggregate classification (germline): Likely pathogenic (1 of 4 stars; one submission).

Conditions:
Megalencephalic leukoencephalopathy with subcortical cysts 1 (MLC1). Also called: VACUOLATING MEGALENCEPHALIC LEUKOENCEPHALOPATHY WITH SUBCORTICAL CYSTS; LEUKOENCEPHALOPATHY WITH SWELLING AND CYSTS. Identifiers: Orphanet 2478, MedGen C5779875, MONDO:0024555, OMIM 604004.

Submission:

Myriad Genetics, Inc.
Classification: Likely pathogenic for Megalencephalic leukoencephalopathy with subcortical cysts 1. Last evaluated: 2022-05-24. Review status: criteria provided, single submitter. Criteria: Myriad Women's Health Autosomal Recessive and X-Linked Classification Criteria (2021). Collection method: clinical testing. Allele origin: unknown.
Comment: NM_015166.3(MLC1):c.596C>G(S199*) is expected to be pathogenic in the context of megalencephalic leukoencephalopathy with subcortical cysts. This variant is predicted to lead to an abnormal or absent protein product due to the creation of a premature termination codon in MLC1, a gene where loss-of-function variants are known to be pathogenic. Please note: this variant was assessed in the context of healthy population screening.